The following is an entry in ClinVar:

NM_007294.4(BRCA1):c.4066C>T (p.Gln1356Ter)

Genes: BRCA1 (BRCA1 DNA repair associated; minus strand), LOC126862571 (BRD4-independent group 4 enhancer GRCh37_chr17:41243136-41244335; plus strand). Cytogenetic location: 17q21.31.
Variant type: single nucleotide variant.
Coding change: c.4066C>T on transcript NM_007294.4 (MANE Select); coding-DNA position 4066, C replaced by T.
Protein change: p.Gln1356Ter; replaces glutamine 1356 with a stop codon.
Molecular consequence: nonsense. On other transcripts: intron variant (135).
Genome position (GRCh38, 1-based): chr17:43,091,465, G>A on the plus strand (C>T on the coding strand, the complement: BRCA1 is on the minus strand). VCF-style: chr17-43091465-G-A. GRCh37 (hg19) VCF-style: chr17-41243482-G-A.
Other names: 4185C>T; c.3922C>T, p.Gln1308Ter (NM_001407839.1, NM_001407841.1, NM_001407842.1 and 20 more transcripts); c.3925C>T, p.Gln1309Ter (NM_001407850.1, NM_001407851.1, NM_001407852.1 and 29 more transcripts); c.3853C>T, p.Gln1285Ter (NM_001407853.1, NM_001407894.1, NM_001407895.1 and 9 more transcripts); c.4066C>T, p.Gln1356Ter (NM_001407854.1, NM_001407858.1, NM_001407859.1 and 30 more transcripts); c.4063C>T, p.Gln1355Ter (NM_001407860.1, NM_001407861.1, NM_001407587.1 and 22 more transcripts); c.3865C>T, p.Gln1289Ter (NM_001407862.1); c.3943C>T, p.Gln1315Ter (NM_001407863.1, NM_001407919.1, NM_001407937.1 and 19 more transcripts); and 42 more; short protein forms Q1356*, Q1309*, Q1285*, Q1329*, Q1188*, Q1228*, Q1244*, Q1245*.
Identifiers: ClinVar variation 266435 (VCV000266435.17), dbSNP rs886040193, ClinGen allele CA10589696.

ClinVar aggregate classification (germline): Pathogenic. Review status: reviewed by expert panel (3 of 4 stars). 4 submissions from 4 submitters: Pathogenic (1). 3 of the submissions do not count toward it. Last evaluated 2016-10-18.

Conditions:
Hereditary cancer-predisposing syndrome. Also called: Hereditary Cancer Syndrome; Neoplastic Syndromes, Hereditary; Hereditary neoplastic syndrome; Tumor predisposition. Identifiers: Orphanet 140162, MedGen C0027672, MeSH D009386, MONDO:0015356.
Hereditary breast ovarian cancer syndrome. Also called: Hereditary breast and ovarian cancer syndrome (HBOC); Breast and ovarian cancer; Hereditary breast and ovarian cancer syndrome; Hereditary breast and ovarian cancer; BRCA1- and BRCA2-Associated Hereditary Breast and Ovarian Cancer; Hereditary breast and/or ovarian cancer syndrome. Identifiers: Orphanet 145, MedGen C0677776, MeSH D061325, MONDO:0003582. Disease mechanism: loss of function.
Breast-ovarian cancer, familial, susceptibility to, 1 (BROVCA1). Also called: BRCA1 Hereditary Breast and Ovarian Cancer; OVARIAN CANCER, SUSCEPTIBILITY TO. Identifiers: Orphanet 145, MedGen C2676676, MONDO:0011450, OMIM 604370. Disease mechanism: loss of function.

Submissions (4):

Evidence-based Network for the Interpretation of Germline Mutant Alleles (ENIGMA)
Classification: Pathogenic for Breast-ovarian cancer, familial, susceptibility to, 1. Last evaluated: 2016-10-18. Review status: reviewed by expert panel. Criteria: ENIGMA BRCA1/2 Classification Criteria (2015). Collection method: curation. Allele origin: germline.
Comment: Variant allele predicted to encode a truncated non-functional protein.

Ambry Genetics
Classification: Pathogenic for Hereditary cancer-predisposing syndrome. Last evaluated: 2020-08-10. Review status: criteria provided, single submitter. Criteria: Ambry Variant Classification Scheme 2023. Collection method: clinical testing. Allele origin: germline. Not counted in ClinVar's aggregate classification.
Comment: The p.Q1356* variant (also known as c.4066C>T), located in coding exon 9 of the BRCA1 gene, results from a C to T substitution at nucleotide position 4066. This changes the amino acid from a glutamine to a stop codon within coding exon 9. In one study, this mutation was identified in 1/2991 Chinese breast cancer patients and was not detected in 1043 healthy controls (Lang GT et al. Int. J. Cancer, 2017 07;141:129-142). This alteration was also identified in a large, worldwide study of BRCA1/2 mutation positive families (Rebbeck TR et al. Hum. Mutat., 2018 05;39:593-620). In addition to the clinical data presented in the literature, this alteration is expected to result in loss of function by premature protein truncation or nonsense-mediated mRNA decay. As such, this alteration is interpreted as a disease-causing mutation.

Labcorp Genetics (formerly Invitae), Labcorp
Classification: Pathogenic for Hereditary breast ovarian cancer syndrome. Last evaluated: 2020-03-28. Review status: criteria provided, single submitter. Criteria: Invitae Variant Classification Sherloc (09022015). Collection method: clinical testing. Allele origin: germline. Not counted in ClinVar's aggregate classification.
Comment: Loss-of-function variants in BRCA1 are known to be pathogenic (PMID: 20104584). This variant has been observed in individual(s) with breast cancer (PMID: 28294317). ClinVar contains an entry for this variant (Variation ID: 266435). This variant is not present in population databases (ExAC no frequency). This sequence change creates a premature translational stop signal (p.Gln1356*) in the BRCA1 gene. It is expected to result in an absent or disrupted protein product. For these reasons, this variant has been classified as Pathogenic.

Consortium of Investigators of Modifiers of BRCA1/2 (CIMBA), c/o University of Cambridge
Classification: Pathogenic for Breast-ovarian cancer, familial, susceptibility to, 1. Last evaluated: 2015-10-02. Review status: criteria provided, single submitter. Criteria: CIMBA Mutation Classification guidelines May 2016. Collection method: clinical testing. Allele origin: germline. Not counted in ClinVar's aggregate classification.

Literature cited by the submitters: PubMed 28294317 (cited by Ambry Genetics and Labcorp Genetics (formerly Invitae), Labcorp); PubMed 28664449 (cited by Ambry Genetics); PubMed 29446198 (cited by Ambry Genetics); PubMed 30702160 (cited by Ambry Genetics); PubMed 20104584 (cited by Labcorp Genetics (formerly Invitae), Labcorp).